The following is an entry in ClinVar:

ClinVar aggregate classification (germline): Uncertain significance (1 of 4 stars; one submission).

Submission:

Dasa
Classification: Uncertain significance. Last evaluated: 2025-11-18. Review status: criteria provided, single submitter. Criteria: DASA Assertion Criteria. Collection method: clinical testing. Allele origin: germline.
Comment: NM_001385079.1(PDE10A):c.994+6G>T is a splice-region variant. This variant is absent from population databases. Computational prediction algorithms are consistent with a benign effect. The currently available literature and clinical evidence are not sufficient to establish a definitive association between this variant and the reported condition. Therefore, this variant is classified as a variant of uncertain significance.

NM_001385079.1(PDE10A):c.994+6G>T

Gene: PDE10A (phosphodiesterase 10A; minus strand). Cytogenetic location: 6q27.
Variant type: single nucleotide variant.
Coding change: c.994+6G>T on transcript NM_001385079.1 (MANE Select); 6 bases into the intron after coding-DNA position 994, G replaced by T.
Molecular consequence: intron variant.
Genome position (GRCh38, 1-based): chr6:165,543,434, C>A on the plus strand (G>T on the coding strand, the complement: PDE10A is on the minus strand). VCF-style: chr6-165543434-C-A. GRCh37 (hg19) VCF-style: chr6-165956922-C-A.
Other names: c.196+6G>T (NM_001130690.3); c.166+6G>T (NM_006661.4).
Identifiers: ClinVar variation 4884929 (VCV004884929.2).